The following is an entry in ClinVar:

NM_000051.4(ATM):c.4080T>G (p.Ser1360Arg)

Gene: ATM (ATM serine/threonine kinase; plus strand). Cytogenetic location: 11q22.3.
Variant type: single nucleotide variant.
Coding change: c.4080T>G on transcript NM_000051.4 (MANE Select); coding-DNA position 4080, T replaced by G.
Protein change: p.Ser1360Arg; replaces serine 1360 with arginine.
Molecular consequence: missense variant.
Genome position (GRCh38, 1-based): chr11:108,287,686, T>G. VCF-style: chr11-108287686-T-G. GRCh37 (hg19) VCF-style: chr11-108158413-T-G.
Other names: c.4080T>G, p.Ser1360Arg (NM_001351834.2); short protein forms S1360R.
Identifiers: ClinVar variation 1448889 (VCV001448889.8), dbSNP rs2135737207, ClinGen allele CA382528312.
Genomic context (GRCh38, chr11:108,287,686, plus strand): 5'-ACCAGAGATTGTGGTGGAGTTATTGATGACGTTACATGAGCCAGCAAATTCTAGTGCCAG[T>G]CAGAGCACTGACCTCTGTGACTTTTCAGGGTATGTACATTTTAAACTTAGAGAACTAGCT-3'
Protein context (NP_000042.3, residues 1350-1370): TLHEPANSSA[Ser1360Arg]QSTDLCDFSG

ClinVar aggregate classification (germline): Uncertain significance (1 of 4 stars; one submission).

Conditions:
Ataxia-telangiectasia syndrome (AT). Also called: Ataxia-telangiectasia; LOUIS-BAR SYNDROME; AT, COMPLEMENTATION GROUP C; Ataxia-telangiectasia, complementation group E; Ataxia telangiectasia (A-T); Cerebello-oculocutaneous telangiectasia. Identifiers: Orphanet 100, MedGen C0004135, MONDO:0008840, OMIM 208900.

Submission:

Labcorp Genetics (formerly Invitae), Labcorp
Classification: Uncertain significance for Ataxia-telangiectasia syndrome. Last evaluated: 2024-07-29. Review status: criteria provided, single submitter. Criteria: Invitae Variant Classification Sherloc (09022015). Collection method: clinical testing. Allele origin: germline.
Comment: This sequence change replaces serine, which is neutral and polar, with arginine, which is basic and polar, at codon 1360 of the ATM protein (p.Ser1360Arg). This variant is not present in population databases (gnomAD no frequency). This missense change has been observed in individual(s) with breast cancer (PMID: 30287823). ClinVar contains an entry for this variant (Variation ID: 1448889). An algorithm developed to predict the effect of missense changes on protein structure and function (PolyPhen-2) suggests that this variant is likely to be tolerated. In summary, the available evidence is currently insufficient to determine the role of this variant in disease. Therefore, it has been classified as a Variant of Uncertain Significance.

Literature cited by the submitters: PubMed 30287823.